The following is an entry in ClinVar:

ClinVar aggregate classification (germline): Benign/Likely benign. Review status: criteria provided, multiple submitters, no conflicts (2 of 4 stars). 10 submissions from 10 submitters: Benign (7); Likely benign (1). 2 of the submissions do not count toward it. Last evaluated 2026-02-01.

Conditions:
Gray platelet syndrome (GPS). Also called: BLEEDING DISORDER, PLATELET-TYPE, 4. Identifiers: Orphanet 721, MedGen C0272302, MONDO:0007686, OMIM 139090.

Allele frequency attached by ClinVar (database versions not stated): ESP Exome Variant Server 0.45245; TOPMed 0.46808; 1000 Genomes Project 30x 0.46814; 1000 Genomes Project 0.47165; gnomAD 0.48105 and 0.48681; gnomAD exomes 0.54351 and 0.56619; ExAC 0.56567.
gnomAD v4.1: 868,042 of 1,556,712 alleles (56%); highest among the groups gnomAD compares: Non-Finnish European, 58%; 246,345 homozygotes.

Submissions (10):

Labcorp Genetics (formerly Invitae), Labcorp
Classification: Benign. Last evaluated: 2026-02-01. Review status: criteria provided, single submitter. Criteria: Invitae Variant Classification Sherloc (09022015). Collection method: clinical testing. Allele origin: germline.

Blueprint Genetics
Classification: Likely benign. Last evaluated: 2024-11-26. Review status: criteria provided, single submitter. Criteria: ACMG Guidelines, 2015. Collection method: clinical testing. Allele origin: germline.

Mayo Clinic Laboratories, Mayo Clinic
Classification: Benign. Last evaluated: 2022-09-29. Review status: criteria provided, single submitter. Criteria: ACMG Guidelines, 2015. Collection method: clinical testing. Allele origin: germline. Observed: 409 variant alleles.

Genome-Nilou Lab
Classification: Benign for Gray platelet syndrome. Last evaluated: 2021-09-05. Review status: criteria provided, single submitter. Criteria: ACMG Guidelines, 2015. Collection method: clinical testing. Allele origin: germline. Affected: no.

GeneDx
Classification: Benign. Last evaluated: 2020-10-23. Review status: criteria provided, single submitter. Criteria: GeneDx Variant Classification Process June 2021. Collection method: clinical testing. Allele origin: germline. Affected: yes.

Illumina Laboratory Services, Illumina
Classification: Benign for Gray platelet syndrome. Last evaluated: 2018-01-13. Review status: criteria provided, single submitter. Criteria: ICSL Variant Classification Criteria 13 December 2019. Collection method: clinical testing. Allele origin: germline.
Comment: This variant was observed in the ICSL laboratory as part of a predisposition screen in an ostensibly healthy population. It had not been previously curated by ICSL or reported in the Human Gene Mutation Database (HGMD: prior to June 1st, 2018), and was therefore a candidate for classification through an automated scoring system. Utilizing variant allele frequency, disease prevalence and penetrance estimates, and inheritance mode, an automated score was calculated to assess if this variant is too frequent to cause the disease. Based on the score and internal cut-off values, a variant classified as benign is not then subjected to further curation. The score for this variant resulted in a classification of benign for this disease.

Breakthrough Genomics
Classification: Benign. Review status: criteria provided, single submitter. Criteria: ACMG Guidelines, 2015. Collection method: not provided. Allele origin: germline. Inheritance: Autosomal recessive inheritance. Affected: yes.

PreventionGenetics, part of Exact Sciences
Classification: Benign. Review status: criteria provided, single submitter. Criteria: ACMG Guidelines, 2015. Collection method: clinical testing. Allele origin: germline.

Diagnostic Laboratory, Department of Genetics, University Medical Center Groningen
Classification: Benign. Review status: no assertion criteria provided. Collection method: clinical testing. Allele origin: germline. Affected: yes. Study: VKGL Data-share Consensus. Not counted in ClinVar's aggregate classification.

Joint Genome Diagnostic Labs from Nijmegen and Maastricht, Radboudumc and MUMC+
Classification: Benign. Review status: no assertion criteria provided. Collection method: clinical testing. Allele origin: germline. Affected: yes. Study: VKGL Data-share Consensus. Not counted in ClinVar's aggregate classification.

NM_015175.3(NBEAL2):c.4911C>T (p.Ser1637=)

Gene: NBEAL2 (neurobeachin like 2; plus strand). Cytogenetic location: 3p21.31.
Variant type: single nucleotide variant.
Coding change: c.4911C>T on transcript NM_015175.3 (MANE Select); coding-DNA position 4911, C replaced by T.
Protein change: p.Ser1637=; no amino-acid change (serine 1637 retained).
Molecular consequence: synonymous variant.
Genome position (GRCh38, 1-based): chr3:47,002,048, C>T. VCF-style: chr3-47002048-C-T. GRCh37 (hg19) VCF-style: chr3-47043538-C-T.
Other names: p.Ser1637=; c.4809C>T, p.Ser1603= (NM_001365116.2).
Identifiers: ClinVar variation 260582 (VCV000260582.20), dbSNP rs2305634, ClinGen allele CA2361391.